The following is an entry in ClinVar:

ClinVar aggregate classification (germline): Uncertain significance (1 of 4 stars; one submission).

Allele frequency attached by ClinVar (database versions not stated): gnomAD exomes below 0.00001; ExAC 0.00001; TOPMed 0.00001.
gnomAD v4.1: 2 of 1,614,034 alleles (0.00012%); highest among the groups gnomAD compares: African/African-American, 0.0013%; no homozygotes.

Submission:

Labcorp Genetics (formerly Invitae), Labcorp
Classification: Uncertain significance. Last evaluated: 2024-08-30. Review status: criteria provided, single submitter. Criteria: Invitae Variant Classification Sherloc (09022015). Collection method: clinical testing. Allele origin: germline.
Comment: This sequence change replaces arginine, which is basic and polar, with glycine, which is neutral and non-polar, at codon 1424 of the TTC37 protein (p.Arg1424Gly). This variant is present in population databases (rs769960877, gnomAD 0.007%). This variant has not been reported in the literature in individuals affected with TTC37-related conditions. ClinVar contains an entry for this variant (Variation ID: 1368604). An algorithm developed to predict the effect of missense changes on protein structure and function (PolyPhen-2) suggests that this variant is likely to be disruptive. In summary, the available evidence is currently insufficient to determine the role of this variant in disease. Therefore, it has been classified as a Variant of Uncertain Significance.

NM_014639.4(SKIC3):c.4270A>G (p.Arg1424Gly)

Gene: SKIC3 (SKI3 subunit of superkiller complex; minus strand). Cytogenetic location: 5q15.
Variant type: single nucleotide variant.
Coding change: c.4270A>G on transcript NM_014639.4 (MANE Select); coding-DNA position 4270, A replaced by G.
Protein change: p.Arg1424Gly; replaces arginine 1424 with glycine.
Molecular consequence: missense variant.
Genome position (GRCh38, 1-based): chr5:95,478,385, T>C on the plus strand (A>G on the coding strand, the complement: SKIC3 is on the minus strand). VCF-style: chr5-95478385-T-C. GRCh37 (hg19) VCF-style: chr5-94814089-T-C.
Other names: short protein forms R1424G.
Identifiers: ClinVar variation 1368604 (VCV001368604.6), dbSNP rs769960877, ClinGen allele CA3346442.
Genomic context (GRCh38, chr5:95,478,385, plus strand): 5'-ACAGACTTGAGAGCTTCCCACTCCAACTGCCCCGTTGGGATGCCAATTGTAGACTCTTTC[T>C]GTAACACATCTCTGCAGCTCTCATCATTCCTTGGGATTGATACACATGTGCCAGCCACTA-3'
Protein context (NP_055454.1, residues 1414-1434): GMMRAAEMCY[Arg1424Gly]KSLQLASQRG